The following is an entry in ClinVar:

ClinVar aggregate classification (germline): Uncertain significance (1 of 4 stars; one submission).

Allele frequency attached by ClinVar (database versions not stated): gnomAD exomes below 0.00001; TOPMed below 0.00001; gnomAD 0.00001.
gnomAD v4.1: 2 of 1,614,060 alleles (0.00012%); highest among the groups gnomAD compares: Non-Finnish European, 0.000085%; no homozygotes.

Submission:

Labcorp Genetics (formerly Invitae), Labcorp
Classification: Uncertain significance. Last evaluated: 2021-01-08. Review status: criteria provided, single submitter. Criteria: Invitae Variant Classification Sherloc (09022015). Collection method: clinical testing. Allele origin: germline.
Comment: In summary, the available evidence is currently insufficient to determine the role of this variant in disease. Therefore, it has been classified as a Variant of Uncertain Significance. Algorithms developed to predict the effect of missense changes on protein structure and function (SIFT, PolyPhen-2, Align-GVGD) all suggest that this variant is likely to be disruptive, but these predictions have not been confirmed by published functional studies and their clinical significance is uncertain. This variant has not been reported in the literature in individuals with MYH3-related conditions. This variant is not present in population databases (ExAC no frequency). This sequence change replaces arginine with cysteine at codon 820 of the MYH3 protein (p.Arg820Cys). The arginine residue is highly conserved and there is a large physicochemical difference between arginine and cysteine.

NM_002470.4(MYH3):c.2458C>T (p.Arg820Cys)

Gene: MYH3 (myosin heavy chain 3; minus strand). Cytogenetic location: 17p13.1.
Variant type: single nucleotide variant.
Coding change: c.2458C>T on transcript NM_002470.4 (MANE Select); coding-DNA position 2458, C replaced by T.
Protein change: p.Arg820Cys; replaces arginine 820 with cysteine.
Molecular consequence: missense variant.
Genome position (GRCh38, 1-based): chr17:10,640,220, G>A on the plus strand (C>T on the coding strand, the complement: MYH3 is on the minus strand). VCF-style: chr17-10640220-G-A. GRCh37 (hg19) VCF-style: chr17-10543537-G-A.
Other names: short protein forms R820C.
Identifiers: ClinVar variation 1364052 (VCV001364052.8), dbSNP rs1348894326, ClinGen allele CA398163261.